The following is an entry in ClinVar:

NM_000195.5(HPS1):c.1226T>C (p.Leu409Pro)

Gene: HPS1 (HPS1 biogenesis of lysosomal organelles complex 3 subunit 1; minus strand). Cytogenetic location: 10q24.2.
Variant type: single nucleotide variant.
Coding change: c.1226T>C on transcript NM_000195.5 (MANE Select); coding-DNA position 1226, T replaced by C.
Protein change: p.Leu409Pro; replaces leucine 409 with proline.
Molecular consequence: missense variant.
Genome position (GRCh38, 1-based): chr10:98,425,650, A>G on the plus strand (T>C on the coding strand, the complement: HPS1 is on the minus strand). VCF-style: chr10-98425650-A-G. GRCh37 (hg19) VCF-style: chr10-100185407-A-G.
Other names: c.254T>C, p.Leu85Pro (NM_001311345.2, NM_001322487.2, NM_001322489.2); c.1226T>C, p.Leu409Pro (NM_001322476.2, NM_001322477.2); c.1127T>C, p.Leu376Pro (NM_001322478.2, NM_001322479.2); c.965T>C, p.Leu322Pro (NM_001322480.2, NM_001322481.2); c.866T>C, p.Leu289Pro (NM_001322482.2); c.857T>C, p.Leu286Pro (NM_001322483.2, NM_001322484.2); c.758T>C, p.Leu253Pro (NM_001322485.2); short protein forms L253P, L376P, L409P, L286P, L322P, L289P, L85P.
Identifiers: ClinVar variation 1957165 (VCV001957165.5), dbSNP rs2538834309, ClinGen allele CA378047792.

ClinVar aggregate classification (germline): Uncertain significance (1 of 4 stars; one submission).

Submission:

Labcorp Genetics (formerly Invitae), Labcorp
Classification: Uncertain significance. Last evaluated: 2022-06-01. Review status: criteria provided, single submitter. Criteria: Invitae Variant Classification Sherloc (09022015). Collection method: clinical testing. Allele origin: germline.
Comment: In summary, the available evidence is currently insufficient to determine the role of this variant in disease. Therefore, it has been classified as a Variant of Uncertain Significance. Algorithms developed to predict the effect of missense changes on protein structure and function are either unavailable or do not agree on the potential impact of this missense change (SIFT: "Deleterious"; PolyPhen-2: "Probably Damaging"; Align-GVGD: "Class C0"). This variant has not been reported in the literature in individuals affected with HPS1-related conditions. This variant is not present in population databases (gnomAD no frequency). This sequence change replaces leucine, which is neutral and non-polar, with proline, which is neutral and non-polar, at codon 409 of the HPS1 protein (p.Leu409Pro).